The following is an entry in ClinVar:

NM_000535.7(PMS2):c.764A>G (p.Tyr255Cys)

Gene: PMS2 (PMS1 homolog 2, mismatch repair system component; minus strand). Cytogenetic location: 7p22.1.
Variant type: single nucleotide variant.
Coding change: c.764A>G on transcript NM_000535.7 (MANE Select); coding-DNA position 764, A replaced by G.
Protein change: p.Tyr255Cys; replaces tyrosine 255 with cysteine.
Molecular consequence: missense variant. On other transcripts: 5 prime UTR variant (2), non-coding transcript variant (1).
Genome position (GRCh38, 1-based): chr7:5,997,365, T>C on the plus strand (A>G on the coding strand, the complement: PMS2 is on the minus strand). VCF-style: chr7-5997365-T-C. GRCh37 (hg19) VCF-style: chr7-6036996-T-C.
Other names: c.764A>G (NM_000535.5); c.359A>G, p.Tyr120Cys (NM_001322003.2, NM_001322004.2, NM_001322005.2 and 2 more transcripts); c.764A>G, p.Tyr255Cys (NM_001322006.2, NM_001322014.2); c.446A>G, p.Tyr149Cys (NM_001322007.2, NM_001322008.2); c.-170A>G (NM_001322011.2, NM_001322012.2); c.191A>G, p.Tyr64Cys (NM_001322013.2); c.455A>G, p.Tyr152Cys (NM_001322015.2); short protein forms Y255C, Y64C, Y120C, Y149C, Y152C.
Identifiers: ClinVar variation 1442169 (VCV001442169.7), dbSNP rs1268217925, ClinGen allele CA366743681.
Genomic context (GRCh38, chr7:5,997,365, plus strand): 5'-TCTTGCCAGCAATCTACTTACTAAAAAAGATTATGCAGAGCATCGGAACAGCTCAAACCG[T>C]ACTCTTCACACACGGAGTCACTAGGGGGCAGCTGAACAAAAGGAATGAGGCTTTGCAACT-3'
Protein context (NP_000526.2, residues 245-265): LPPSDSVCEE[Tyr255Cys]GLSCSDALHN

ClinVar aggregate classification (germline): Uncertain significance. Review status: criteria provided, multiple submitters, no conflicts (2 of 4 stars). 3 submissions from 3 submitters: Uncertain significance (3). Last evaluated 2025-09-19.

Conditions:
Hereditary cancer-predisposing syndrome. Also called: Tumor predisposition; Hereditary neoplastic syndrome; Neoplastic Syndromes, Hereditary; Hereditary Cancer Syndrome. Identifiers: Orphanet 140162, MedGen C0027672, MeSH D009386, MONDO:0015356.
Hereditary nonpolyposis colorectal neoplasms. Identifiers: MedGen C0009405, MeSH D003123.

Allele frequency attached by ClinVar (database versions not stated): gnomAD exomes below 0.00001.
gnomAD v4.1: 1 of 1,604,188 alleles (0.000062%); highest among the groups gnomAD compares: South Asian, 0.0011%; no homozygotes.

Submissions (3):

Ambry Genetics
Classification: Uncertain significance for Hereditary cancer-predisposing syndrome. Last evaluated: 2025-09-19. Review status: criteria provided, single submitter. Criteria: Ambry Variant Classification Scheme 2023. Collection method: clinical testing. Allele origin: germline.
Comment: The p.Y255C variant (also known as c.764A>G), located in coding exon 7 of the PMS2 gene, results from an A to G substitution at nucleotide position 764. The tyrosine at codon 255 is replaced by cysteine, an amino acid with highly dissimilar properties. This amino acid position is conserved. In addition, the in silico prediction for this alteration is inconclusive. Based on the available evidence, the clinical significance of this variant remains unclear.

Blueprint Genetics
Classification: Uncertain significance. Last evaluated: 2024-08-09. Review status: criteria provided, single submitter. Criteria: ACMG Guidelines, 2015. Collection method: clinical testing. Allele origin: germline.

Labcorp Genetics (formerly Invitae), Labcorp
Classification: Uncertain significance for Hereditary nonpolyposis colorectal neoplasms. Last evaluated: 2021-11-14. Review status: criteria provided, single submitter. Criteria: Invitae Variant Classification Sherloc (09022015). Collection method: clinical testing. Allele origin: germline.
Comment: This sequence change replaces tyrosine, which is neutral and polar, with cysteine, which is neutral and slightly polar, at codon 255 of the PMS2 protein (p.Tyr255Cys). This variant is present in population databases (no rsID available, gnomAD 0.003%). This variant has not been reported in the literature in individuals affected with PMS2-related conditions. Advanced modeling of protein sequence and biophysical properties (such as structural, functional, and spatial information, amino acid conservation, physicochemical variation, residue mobility, and thermodynamic stability) performed at Invitae indicates that this missense variant is not expected to disrupt PMS2 protein function. In summary, the available evidence is currently insufficient to determine the role of this variant in disease. Therefore, it has been classified as a Variant of Uncertain Significance.